The following is an entry in ClinVar:

NM_000368.5(TSC1):c.1546C>T (p.Gln516Ter)

Gene: TSC1 (TSC complex subunit 1; minus strand). Cytogenetic location: 9q34.13.
Variant type: single nucleotide variant.
Coding change: c.1546C>T on transcript NM_000368.5 (MANE Select); coding-DNA position 1546, C replaced by T.
Protein change: p.Gln516Ter; replaces glutamine 516 with a stop codon.
Molecular consequence: nonsense.
Genome position (GRCh38, 1-based): chr9:132,906,032, G>A on the plus strand (C>T on the coding strand, the complement: TSC1 is on the minus strand). VCF-style: chr9-132906032-G-A. GRCh37 (hg19) VCF-style: chr9-135781419-G-A.
Other names: c.1543C>T, p.Gln515Ter (NM_001162426.2); c.1393C>T, p.Gln465Ter (NM_001162427.2); c.1183C>T, p.Gln395Ter (NM_001362177.2); short protein forms Q465*, Q395*, Q515*, Q516*.
Identifiers: ClinVar variation 649818 (VCV000649818.9), dbSNP rs1588310754, ClinGen allele CA375365152.

ClinVar aggregate classification (germline): Pathogenic. Review status: criteria provided, single submitter (1 of 4 stars). 2 submissions from 2 submitters: Pathogenic (1). 1 of the submissions does not count toward it. Last evaluated 2022-09-28.

Conditions:
Malignant tumor of urinary bladder. Also called: Urinary Bladder Neoplasms; Bladder cancer; Urinary bladder cancer. Identifiers: MedGen C0005684, MONDO:0001187, OMIM 109800.
Tuberous sclerosis 1 (TSC1). Identifiers: Orphanet 805, MedGen C1854465, MONDO:0008612, OMIM 191100.

Submissions (2):

Labcorp Genetics (formerly Invitae), Labcorp
Classification: Pathogenic for Tuberous sclerosis 1. Last evaluated: 2022-09-28. Review status: criteria provided, single submitter. Criteria: Invitae Variant Classification Sherloc (09022015). Collection method: clinical testing. Allele origin: germline.
Comment: ClinVar contains an entry for this variant (Variation ID: 649818). For these reasons, this variant has been classified as Pathogenic. This sequence change creates a premature translational stop signal (p.Gln516*) in the TSC1 gene. It is expected to result in an absent or disrupted protein product. Loss-of-function variants in TSC1 are known to be pathogenic (PMID: 10227394, 17304050). This variant is not present in population databases (gnomAD no frequency). This premature translational stop signal has been observed in individual(s) with tuberous sclerosis complex (PMID: 21520333; Invitae).

Laboratory of Urology, Hospital Clinic de Barcelona
Classification: Pathogenic for Malignant tumor of urinary bladder. Review status: no assertion criteria provided. Collection method: research. Allele origin: somatic. Affected: yes. Not counted in ClinVar's aggregate classification.

Literature cited by the submitters: PubMed 10227394 (cited by Labcorp Genetics (formerly Invitae), Labcorp); PubMed 17304050 (cited by Labcorp Genetics (formerly Invitae), Labcorp); PubMed 21520333 (cited by Labcorp Genetics (formerly Invitae), Labcorp).